The following is an entry in ClinVar:

ClinVar aggregate classification (germline): Uncertain significance (1 of 4 stars; one submission).

Conditions:
Hereditary cancer-predisposing syndrome. Also called: Hereditary neoplastic syndrome; Tumor predisposition; Hereditary Cancer Syndrome; Neoplastic Syndromes, Hereditary. Identifiers: Orphanet 140162, MedGen C0027672, MeSH D009386, MONDO:0015356.

Submission:

Ambry Genetics
Classification: Uncertain significance for Hereditary cancer-predisposing syndrome. Last evaluated: 2023-07-13. Review status: criteria provided, single submitter. Criteria: Ambry Variant Classification Scheme 2023. Collection method: clinical testing. Allele origin: germline.
Comment: The p.S1362A variant (also known as c.4084T>G), located in coding exon 15 of the APC gene, results from a T to G substitution at nucleotide position 4084. The serine at codon 1362 is replaced by alanine, an amino acid with similar properties. This amino acid position is conserved. In addition, in silico predictors for this gene do not accurately predict pathogenicity. Since supporting evidence is limited at this time, the clinical significance of this alteration remains unclear.

NM_000038.6(APC):c.4084T>G (p.Ser1362Ala)

Gene: APC (APC regulator of Wnt signaling pathway; plus strand). Cytogenetic location: 5q22.2.
Variant type: single nucleotide variant.
Coding change: c.4084T>G on transcript NM_000038.6 (MANE Select); coding-DNA position 4084, T replaced by G.
Protein change: p.Ser1362Ala; replaces serine 1362 with alanine.
Molecular consequence: missense variant. On other transcripts: non-coding transcript variant (2).
Genome position (GRCh38, 1-based): chr5:112,839,678, T>G. VCF-style: chr5-112839678-T-G. GRCh37 (hg19) VCF-style: chr5-112175375-T-G.
Other names: c.4054T>G, p.Ser1352Ala (NM_001407452.1); c.3907T>G, p.Ser1303Ala (NM_001407453.1, NM_001354901.2); c.3835T>G, p.Ser1279Ala (NM_001407456.1, NM_001407457.1, NM_001407454.1 and 1 more transcripts); c.3781T>G, p.Ser1261Ala (NM_001407458.1, NM_001354903.2, NM_001407459.1 and 1 more transcripts); c.4084T>G, p.Ser1362Ala (NM_001127510.3, NM_001354895.2, NM_001407450.1); c.4030T>G, p.Ser1344Ala (NM_001127511.3); c.4138T>G, p.Ser1380Ala (NM_001354896.2, NM_001407447.1, NM_001407448.1 and 1 more transcripts); c.4114T>G, p.Ser1372Ala (NM_001354897.2); and 11 more; short protein forms S1233A, S1236A, S1362A, S1321A, S1344A, S1352A, S1355A, S1372A.
Identifiers: ClinVar variation 2587005 (VCV002587005.2), dbSNP rs1580643803, ClinGen allele CA16030277.